The following is an entry in ClinVar:

NM_000038.6(APC):c.1674_1680del (p.Asn558fs)

Gene: APC (APC regulator of Wnt signaling pathway; plus strand). Cytogenetic location: 5q22.2.
Variant type: Deletion.
Coding change: c.1674_1680del on transcript NM_000038.6 (MANE Select); coding-DNA positions 1674 to 1680, 7 bases deleted (TAGTAAA; older notation c.1674_1680delTAGTAAA).
Protein change: p.Asn558fs; shifts the reading frame from asparagine 558.
Molecular consequence: frameshift variant.
Genome position (GRCh38, 1-based): chr5:112,828,903-112,828,909, TAGTAAA deleted; deleting any 7 consecutive bases within chr5:112,828,898-112,828,909 gives the same sequence; the c. name uses the placement nearest the transcript's 3' end. VCF-style (leftmost placement, unchanged base first): chr5-112828897-TGTAAATA-T. GRCh37 (hg19) VCF-style: chr5-112164594-TGTAAATA-T.
Other names: c.1674_1680del, p.Asn558fs (NM_001127510.3, NM_001354895.2, NM_001407450.1); c.1620_1626del, p.Asn540fs (NM_001127511.3); c.1728_1734del, p.Asn576fs (NM_001354896.2, NM_001407447.1, NM_001407448.1 and 1 more transcripts); c.1704_1710del, p.Asn568fs (NM_001354897.2); c.1599_1605del, p.Asn533fs (NM_001354898.2); c.1590_1596del, p.Asn530fs (NM_001354899.2); c.1551_1557del, p.Asn517fs (NM_001354900.2); c.1497_1503del, p.Asn499fs (NM_001354901.2, NM_001407453.1); and 11 more; short protein forms N174fs, N275fs, N398fs, N429fs, N432fs, N457fs, N467fs, N475fs.
Identifiers: ClinVar variation 2584075 (VCV002584075.6), dbSNP rs2533243224, ClinGen allele CA658760514.

ClinVar aggregate classification (germline): Pathogenic. Review status: criteria provided, multiple submitters, no conflicts (2 of 4 stars). 3 submissions from 3 submitters: Pathogenic (3). Last evaluated 2023-05-02.

Conditions:
Familial adenomatous polyposis 1 (FAP1). Also called: FAMILIAL ADENOMATOUS POLYPOSIS 1, ATTENUATED; POLYPOSIS, ADENOMATOUS INTESTINAL. Identifiers: MedGen C2713442, MONDO:0021056, OMIM 175100. Disease mechanism: loss of function.

Submissions (3):

Myriad Genetics, Inc.
Classification: Pathogenic for Familial adenomatous polyposis 1. Last evaluated: 2023-05-02. Review status: criteria provided, single submitter. Criteria: Myriad Autosomal Dominant, Autosomal Recessive and X-Linked Classification Criteria (2023). Collection method: clinical testing. Allele origin: unknown.
Comment: This variant is considered pathogenic. This variant creates a frameshift predicted to result in premature protein truncation.

Labcorp Genetics (formerly Invitae), Labcorp
Classification: Pathogenic for Familial adenomatous polyposis 1. Last evaluated: 2022-11-17. Review status: criteria provided, single submitter. Criteria: Invitae Variant Classification Sherloc (09022015). Collection method: clinical testing. Allele origin: germline.
Comment: This variant has not been reported in the literature in individuals affected with APC-related conditions. This variant is not present in population databases (gnomAD no frequency). This sequence change creates a premature translational stop signal (p.Asn558Lysfs*10) in the APC gene. It is expected to result in an absent or disrupted protein product. Loss-of-function variants in APC are known to be pathogenic (PMID: 17963004, 20685668). For these reasons, this variant has been classified as Pathogenic.

Baylor Genetics
Classification: Pathogenic for Familial adenomatous polyposis 1. Last evaluated: 2022-02-28. Review status: criteria provided, single submitter. Criteria: ACMG Guidelines, 2015. Collection method: clinical testing. Allele origin: unknown.

Literature cited by the submitters: PubMed 17963004 (cited by Labcorp Genetics (formerly Invitae), Labcorp); PubMed 20685668 (cited by Labcorp Genetics (formerly Invitae), Labcorp).